The following is an entry in ClinVar:

ClinVar aggregate classification (germline): Uncertain significance. Review status: criteria provided, multiple submitters, no conflicts (2 of 4 stars). 2 submissions from 2 submitters: Uncertain significance (2). Last evaluated 2025-09-05.

gnomAD v4.1: 9 of 1,613,738 alleles (0.00056%); highest among the groups gnomAD compares: Non-Finnish European, 0.00076%; no homozygotes.

Submissions (2):

Ambry Genetics
Classification: Uncertain significance. Last evaluated: 2025-09-05. Review status: criteria provided, single submitter. Criteria: Ambry Variant Classification Scheme 2023. Collection method: clinical testing. Allele origin: germline.

Labcorp Genetics (formerly Invitae), Labcorp
Classification: Uncertain significance. Last evaluated: 2025-03-07. Review status: criteria provided, single submitter. Criteria: Invitae Variant Classification Sherloc (09022015). Collection method: clinical testing. Allele origin: germline.
Comment: This sequence change replaces isoleucine, which is neutral and non-polar, with threonine, which is neutral and polar, at codon 151 of the RPL9 protein (p.Ile151Thr). This variant is not present in population databases (gnomAD no frequency). This variant has not been reported in the literature in individuals affected with RPL9-related conditions. An algorithm developed to predict the effect of missense changes on protein structure and function (PolyPhen-2) suggests that this variant is likely to be tolerated. In summary, the available evidence is currently insufficient to determine the role of this variant in disease. Therefore, it has been classified as a Variant of Uncertain Significance.

NM_000661.5(RPL9):c.452T>C (p.Ile151Thr)

Gene: RPL9 (ribosomal protein L9; minus strand). Cytogenetic location: 4p14.
Variant type: single nucleotide variant.
Coding change: c.452T>C on transcript NM_000661.5 (MANE Select); coding-DNA position 452, T replaced by C.
Protein change: p.Ile151Thr; replaces isoleucine 151 with threonine.
Molecular consequence: missense variant.
Genome position (GRCh38, 1-based): chr4:39,454,884, A>G on the plus strand (T>C on the coding strand, the complement: RPL9 is on the minus strand). VCF-style: chr4-39454884-A-G. GRCh37 (hg19) VCF-style: chr4-39456504-A-G.
Other names: c.452T>C (NM_001024921.2); c.452T>C, p.Ile151Thr (NM_001024921.4); short protein forms I151T.
Identifiers: ClinVar variation 3709865 (VCV003709865.3).